The following is an entry in ClinVar:

NM_024857.5(ATAD5):c.2778T>G (p.Gly926=)

Gene: ATAD5 (ATPase family AAA domain containing 5; plus strand). Cytogenetic location: 17q11.2.
Variant type: single nucleotide variant.
Coding change: c.2778T>G on transcript NM_024857.5 (MANE Select); coding-DNA position 2778, T replaced by G.
Protein change: p.Gly926=; no amino-acid change (glycine 926 retained).
Molecular consequence: synonymous variant.
Genome position (GRCh38, 1-based): chr17:30,857,097, T>G. VCF-style: chr17-30857097-T-G. GRCh37 (hg19) VCF-style: chr17-29184115-T-G.
Identifiers: ClinVar variation 3035724 (VCV003035724.2), dbSNP rs377281173, ClinGen allele CA8483917.
Genomic context (GRCh38, chr17:30,857,097, plus strand): 5'-CTCAAAATGTGGTATTGCTCTTGGTGAATTTTCAACATTGAATTCAAAGTTGAAAAGCGG[T>G]AACTCTGCTGCTGTGGTAAGTATTAAATAGTTCATCCATTGTAGAGTGTTTCCCTTACAT-3'
Protein context (NP_079133.3, residues 916-936): FSTLNSKLKS[Gly926=]NSAAVFMRTR

ClinVar aggregate classification (germline): Likely benign (0 of 4 stars; one submission).

Conditions:
ATAD5-related disorder. Also called: ATAD5-related condition.

Allele frequency attached by ClinVar (database versions not stated): ExAC 0.00007; ESP Exome Variant Server 0.00008; TOPMed 0.00009; gnomAD 0.00010; gnomAD exomes 0.00011.
gnomAD v4.1: 176 of 1,611,092 alleles (0.011%); highest among the groups gnomAD compares: Non-Finnish European, 0.014%; no homozygotes.

Submission:

PreventionGenetics, part of Exact Sciences
Classification: Likely benign for ATAD5-related condition. Last evaluated: 2019-08-05. Review status: no assertion criteria provided. Collection method: clinical testing. Allele origin: germline.
Comment: This variant is classified as likely benign based on ACMG/AMP sequence variant interpretation guidelines (Richards et al. 2015 PMID: 25741868, with internal and published modifications).